The following is an entry in ClinVar:

Single allele

Gene: ERBB4 (erb-b2 receptor tyrosine kinase 4; minus strand). Cytogenetic location: 2q34.
Variant type: Deletion.
Identifiers: ClinVar variation 156815 (VCV000156815.2).

ClinVar aggregate classification (germline): not provided (0 of 4 stars; one submission).

Conditions:
Small for gestational age. Also called: Low birth weight. Identifiers: MedGen C0235991, HP:0001518.

Submission:

Institute of Molecular and Cell Biology, University of Tartu
No classification provided. Condition: Small for gestational age. Review status: no classification provided. Collection method: case-control. Allele origin: unknown. Affected: yes. Study: Kasak2014.
Comment: The study aimed to determine the contribution of copy number variants in the genetic etiology of normal and complicated pregnancies. The samples represented (i) maternal blood DNA drawn from healthy pregnant women during 1st or 2nd trimester and (ii) maternal and paternal blood DNA drawn at term pregnancy cases representing normal and complicated gestations (severe preeclampsia, PE; gestational diabetes, GD; small-for-gestational age newborn, SGA; large-for-gestational age newborn, LGA). We performed CNV calling based on genome-wide genotyping dataset (Illumina HumanOmniExpress-24-v1 BeadChip) by applying three algorithms, QuantiSNP, GADA (Genome Alteration Detection Algorithm) and CNstream in parallel. The acquired CNV calls were merged with HD-CNV (Hotspot Detector for Copy Number Variants) program and only the CNVs predicted by at least two programs, were considered in subsequent analysis.

Literature cited by the submitters: PubMed 25666259.